The following is an entry in ClinVar:

ClinVar aggregate classification (germline): Uncertain significance (1 of 4 stars; one submission).

Submission:

GeneDx
Classification: Uncertain significance. Last evaluated: 2025-06-02. Review status: criteria provided, single submitter. Criteria: GeneDx Variant Classification Process June 2021. Collection method: clinical testing. Allele origin: germline. Affected: yes.
Comment: Not observed at significant frequency in large population cohorts (gnomAD); In silico analysis suggests that this missense variant does not alter protein structure/function; Has not been previously published as pathogenic or benign to our knowledge

NM_018297.4(NGLY1):c.536T>C (p.Ile179Thr)

Gene: NGLY1 (N-glycanase 1; minus strand). Cytogenetic location: 3p24.2.
Variant type: single nucleotide variant.
Coding change: c.536T>C on transcript NM_018297.4 (MANE Select); coding-DNA position 536, T replaced by C.
Protein change: p.Ile179Thr; replaces isoleucine 179 with threonine.
Molecular consequence: missense variant.
Genome position (GRCh38, 1-based): chr3:25,751,220, A>G on the plus strand (T>C on the coding strand, the complement: NGLY1 is on the minus strand). VCF-style: chr3-25751220-A-G. GRCh37 (hg19) VCF-style: chr3-25792711-A-G.
Other names: c.536T>C, p.Ile179Thr (NM_001145293.2, NM_001145295.2); c.410T>C, p.Ile137Thr (NM_001145294.2); short protein forms I137T, I179T.
Identifiers: ClinVar variation 4536340 (VCV004536340.1).
Genomic context (GRCh38, chr3:25,751,220, plus strand): 5'-GGAATACAAGCCAACGCTTTCTCCTGAAGAGCAGGATTTTCATAGACCAGCACATGCTGA[A>G]TGTTGGACTGAAGAACTTCTAGAATGGCTGAGTCAGCAGCAACCTAATAGGAAAAAAAAA-3'
Protein context (NP_060767.2, residues 169-189): SAILEVLQSN[Ile179Thr]QHVLVYENPA